The following is an entry in ClinVar:

NM_001199397.3(NEK1):c.2409A>G (p.Leu803=)

Gene: NEK1 (NIMA related kinase 1; minus strand). Cytogenetic location: 4q33.
Variant type: single nucleotide variant.
Coding change: c.2409A>G on transcript NM_001199397.3 (MANE Select); coding-DNA position 2409, A replaced by G.
Protein change: p.Leu803=; no amino-acid change (leucine 803 retained).
Molecular consequence: synonymous variant. On other transcripts: non-coding transcript variant (1).
Genome position (GRCh38, 1-based): chr4:169,477,149, T>C on the plus strand (A>G on the coding strand, the complement: NEK1 is on the minus strand). VCF-style: chr4-169477149-T-C. GRCh37 (hg19) VCF-style: chr4-170398300-T-C.
Other names: c.2277A>G, p.Leu759= (NM_001199398.3); c.2118A>G, p.Leu706= (NM_001199399.3); c.2193A>G, p.Leu731= (NM_001199400.3); c.2409A>G, p.Leu803= (NM_001374418.1); c.2325A>G, p.Leu775= (NM_001374419.1, NM_012224.4); c.2274A>G, p.Leu758= (NM_001374420.1); c.2103A>G, p.Leu701= (NM_001374421.1).
Identifiers: ClinVar variation 514071 (VCV000514071.1), dbSNP rs1554043348, ClinGen allele CA442071245.

ClinVar aggregate classification (germline): Likely benign (1 of 4 stars; one submission).

Submission:

GeneDx
Classification: Likely benign. Last evaluated: 2017-12-08. Review status: criteria provided, single submitter. Criteria: GeneDx Variant Classification (06012015). Collection method: clinical testing. Allele origin: germline. Affected: yes.
Comment: This variant is considered likely benign or benign based on one or more of the following criteria: it is a conservative change, it occurs at a poorly conserved position in the protein, it is predicted to be benign by multiple in silico algorithms, and/or has population frequency not consistent with disease.